The following is an entry in ClinVar:

ClinVar aggregate classification (germline): Likely pathogenic (1 of 4 stars; one submission).

Conditions:
Autoimmune lymphoproliferative syndrome type 1. Also called: AUTOIMMUNE LYMPHOPROLIFERATIVE SYNDROME, TYPE I, AUTOSOMAL DOMINANT. Identifiers: Orphanet 3261, MedGen C2717884, MONDO:0011158, OMIM 601859.

Submission:

Labcorp Genetics (formerly Invitae), Labcorp
Classification: Likely pathogenic for Autoimmune lymphoproliferative syndrome. Last evaluated: 2022-10-17. Review status: criteria provided, single submitter. Criteria: Invitae Variant Classification Sherloc (09022015). Collection method: clinical testing. Allele origin: germline.
Comment: This variant has not been reported in the literature in individuals affected with FAS-related conditions. This sequence change replaces glutamic acid, which is acidic and polar, with glutamine, which is neutral and polar, at codon 272 of the FAS protein (p.Glu272Gln). This variant is not present in population databases (gnomAD no frequency). Advanced modeling of protein sequence and biophysical properties (such as structural, functional, and spatial information, amino acid conservation, physicochemical variation, residue mobility, and thermodynamic stability) performed at Invitae indicates that this missense variant is expected to disrupt FAS protein function. This variant disrupts the p.Glu272 amino acid residue in FAS. Other variant(s) that disrupt this residue have been determined to be pathogenic (PMID: 10515860, 20935634). This suggests that this residue is clinically significant, and that variants that disrupt this residue are likely to be disease-causing. In summary, the currently available evidence indicates that the variant is pathogenic, but additional data are needed to prove that conclusively. Therefore, this variant has been classified as Likely Pathogenic.

Literature cited by the submitters: PubMed 10515860; PubMed 20935634.

NM_000043.6(FAS):c.814G>C (p.Glu272Gln)

Gene: FAS (Fas cell surface death receptor; plus strand). Cytogenetic location: 10q23.31.
Variant type: single nucleotide variant.
Coding change: c.814G>C on transcript NM_000043.6 (MANE Select); coding-DNA position 814, G replaced by C.
Protein change: p.Glu272Gln; replaces glutamic acid 272 with glutamine.
Molecular consequence: missense variant. On other transcripts: 3 prime UTR variant (2), non-coding transcript variant (7).
Genome position (GRCh38, 1-based): chr10:89,014,256, G>C. VCF-style: chr10-89014256-G-C. GRCh37 (hg19) VCF-style: chr10-90774013-G-C.
Other names: c.*137G>C (NM_001320619.2); c.859G>C, p.Glu287Gln (NM_001410956.1); c.751G>C, p.Glu251Gln (NM_152871.4); c.*126G>C (NM_152872.4); short protein forms E251Q, E272Q, E287Q.
Identifiers: ClinVar variation 2088724 (VCV002088724.4), dbSNP rs2495226256, ClinGen allele CA377509871.
Genomic context (GRCh38, chr10:89,014,256, plus strand): 5'-AATGGTGTCAATGAAGCCAAAATAGATGAGATCAAGAATGACAATGTCCAAGACACAGCA[G>C]AACAGAAAGTTCAACTGCTTCGTAATTGGCATCAACTTCATGGAAAGAAAGAAGCGTATG-3'
Protein context (NP_000034.1, residues 262-282): IKNDNVQDTA[Glu272Gln]QKVQLLRNWH